The following is an entry in ClinVar:

ClinVar aggregate classification (germline): Uncertain significance (1 of 4 stars; one submission).

gnomAD v4.1: 67 of 1,576,886 alleles (0.0042%); highest among the groups gnomAD compares: Non-Finnish European, 0.0053%; no homozygotes.

Submission:

GeneDx
Classification: Uncertain significance. Last evaluated: 2025-08-27. Review status: criteria provided, single submitter. Criteria: GeneDx Variant Classification Process June 2021. Collection method: clinical testing. Allele origin: germline. Affected: yes.
Comment: Intronic variant directly or indirectly altering the +5 splice site in a gene for which loss of function is a known mechanism of disease, and splice predictors support a deleterious effect; Has not been previously published as pathogenic or benign to our knowledge

NM_001079537.2(TRAPPC6B):c.149+5G>T

Gene: TRAPPC6B (trafficking protein particle complex subunit 6B; minus strand). Cytogenetic location: 14q21.1.
Variant type: single nucleotide variant.
Coding change: c.149+5G>T on transcript NM_001079537.2 (MANE Select); 5 bases into the intron after coding-DNA position 149, G replaced by T.
Molecular consequence: intron variant.
Genome position (GRCh38, 1-based): chr14:39,159,478, C>A on the plus strand (G>T on the coding strand, the complement: TRAPPC6B is on the minus strand). VCF-style: chr14-39159478-C-A. GRCh37 (hg19) VCF-style: chr14-39628682-C-A.
Other names: c.149+5G>T (NM_177452.4).
Identifiers: ClinVar variation 4812889 (VCV004812889.1).